The following is an entry in ClinVar:

NM_000368.5(TSC1):c.1254C>T (p.Pro418=)

Gene: TSC1 (TSC complex subunit 1; minus strand). Cytogenetic location: 9q34.13.
Variant type: single nucleotide variant.
Coding change: c.1254C>T on transcript NM_000368.5 (MANE Select); coding-DNA position 1254, C replaced by T.
Protein change: p.Pro418=; no amino-acid change (proline 418 retained).
Molecular consequence: synonymous variant. On other transcripts: non-coding transcript variant (5).
Genome position (GRCh38, 1-based): chr9:132,910,580, G>A on the plus strand (C>T on the coding strand, the complement: TSC1 is on the minus strand). VCF-style: chr9-132910580-G-A. GRCh37 (hg19) VCF-style: chr9-135785967-G-A.
Other names: c.1251C>T, p.Pro417= (NM_001162426.2, NM_001406597.1, NM_001406598.1 and 6 more transcripts); c.1101C>T, p.Pro367= (NM_001162427.2, NM_001406610.1); c.891C>T, p.Pro297= (NM_001362177.2, NM_001406614.1, NM_001406615.1 and 5 more transcripts); c.1254C>T, p.Pro418= (NM_001406592.1, NM_001406593.1, NM_001406594.1 and 7 more transcripts); c.1098C>T, p.Pro366= (NM_001406611.1, NM_001406612.1, NM_001406613.1); c.888C>T, p.Pro296= (NM_001406620.1, NM_001406621.1, NM_001406622.1 and 2 more transcripts); c.303C>T, p.Pro101= (NM_001406626.1); c.300C>T, p.Pro100= (NM_001406627.1, NM_001406628.1); and 1 more.
Identifiers: ClinVar variation 4071167 (VCV004071167.2).

ClinVar aggregate classification (germline): Benign/Likely benign. Review status: criteria provided, multiple submitters, no conflicts (2 of 4 stars). 2 submissions from 2 submitters: Benign (1); Likely benign (1). Last evaluated 2026-08-23.

Conditions:
Tuberous sclerosis 1 (TSC1). Identifiers: Orphanet 805, MedGen C1854465, MONDO:0008612, OMIM 191100.
Hereditary cancer-predisposing syndrome. Also called: Neoplastic Syndromes, Hereditary; Tumor predisposition; Hereditary Cancer Syndrome; Hereditary neoplastic syndrome. Identifiers: Orphanet 140162, MedGen C0027672, MeSH D009386, MONDO:0015356.

Submissions (2):

Ambry Genetics
Classification: Likely benign for Hereditary cancer-predisposing syndrome. Last evaluated: 2026-08-23. Review status: criteria provided, single submitter. Criteria: Ambry Variant Classification Scheme 2023. Collection method: clinical testing. Allele origin: germline.

Myriad Genetics, Inc.
Classification: Benign for Tuberous sclerosis 1. Last evaluated: 2025-04-09. Review status: criteria provided, single submitter. Criteria: Myriad Autosomal Dominant, Autosomal Recessive and X-Linked Classification Criteria (2023). Collection method: clinical testing. Allele origin: unknown.
Comment: This variant is considered benign. This variant is a silent/synonymous amino acid change and it is not expected to impact splicing.